The following is an entry in ClinVar:

ClinVar aggregate classification (germline): Uncertain significance (1 of 4 stars; one submission).

Submission:

GeneDx
Classification: Uncertain significance. Last evaluated: 2019-05-10. Review status: criteria provided, single submitter. Criteria: GeneDx Variant Classification Process June 2021. Collection method: clinical testing. Allele origin: germline. Affected: yes.
Comment: Not observed in large population cohorts (Lek et al., 2016); In silico analysis, which includes protein predictors and evolutionary conservation, supports a deleterious effect; Has not been previously published as pathogenic or benign to our knowledge

NM_016953.4(PDE11A):c.1529G>C (p.Arg510Thr)

Gene: PDE11A (phosphodiesterase 11A; minus strand). Cytogenetic location: 2q31.2.
Variant type: single nucleotide variant.
Coding change: c.1529G>C on transcript NM_016953.4 (MANE Select); coding-DNA position 1529, G replaced by C.
Protein change: p.Arg510Thr; replaces arginine 510 with threonine.
Molecular consequence: missense variant.
Genome position (GRCh38, 1-based): chr2:177,820,267, C>G on the plus strand (G>C on the coding strand, the complement: PDE11A is on the minus strand). VCF-style: chr2-177820267-C-G. GRCh37 (hg19) VCF-style: chr2-178684994-C-G.
Other names: c.197G>C, p.Arg66Thr (NM_001077196.2); c.779G>C, p.Arg260Thr (NM_001077197.2); c.455G>C, p.Arg152Thr (NM_001077358.2); short protein forms R152T, R260T, R510T, R66T.
Identifiers: ClinVar variation 1305183 (VCV001305183.2), dbSNP rs1331676552, ClinGen allele CA349701201.
Genomic context (GRCh38, chr2:177,820,267, plus strand): 5'-GGTCATCTCTTACCAATTATTTGGTGGTTGCTATTCCAAATAGGGACACAAAGAACAGAT[C>G]TTATGTGAAAACCAGATATCTGGTCTGCCTAGGAAACAAGAAAGAAGTTAATTAAAATTG-3'
Protein context (NP_058649.3, residues 500-520): EADQISGFHI[Arg510Thr]SVLCVPIWNS